The following is an entry in ClinVar:

NM_001003841.3(SLC6A19):c.29G>A (p.Gly10Asp)

Gene: SLC6A19 (solute carrier family 6 member 19; plus strand). Cytogenetic location: 5p15.33.
Variant type: single nucleotide variant.
Coding change: c.29G>A on transcript NM_001003841.3 (MANE Select); coding-DNA position 29, G replaced by A.
Protein change: p.Gly10Asp; replaces glycine 10 with aspartic acid.
Molecular consequence: missense variant.
Genome position (GRCh38, 1-based): chr5:1,201,679, G>A. VCF-style: chr5-1201679-G-A. GRCh37 (hg19) VCF-style: chr5-1201794-G-A.
Other names: short protein forms G10D.
Identifiers: ClinVar variation 1900303 (VCV001900303.5), dbSNP rs142954960, ClinGen allele CA3182536.

ClinVar aggregate classification (germline): Uncertain significance (1 of 4 stars; one submission).

Allele frequency attached by ClinVar (database versions not stated): gnomAD 0.00002; TOPMed 0.00003; ESP Exome Variant Server 0.00015.
gnomAD v4.1: 44 of 1,609,298 alleles (0.0027%); highest among the groups gnomAD compares: Middle Eastern, 0.017%; no homozygotes.

Submission:

Labcorp Genetics (formerly Invitae), Labcorp
Classification: Uncertain significance. Last evaluated: 2022-08-06. Review status: criteria provided, single submitter. Criteria: Invitae Variant Classification Sherloc (09022015). Collection method: clinical testing. Allele origin: germline.
Comment: In summary, the available evidence is currently insufficient to determine the role of this variant in disease. Therefore, it has been classified as a Variant of Uncertain Significance. Algorithms developed to predict the effect of missense changes on protein structure and function are either unavailable or do not agree on the potential impact of this missense change (SIFT: "Deleterious"; PolyPhen-2: "Benign"; Align-GVGD: "Class C0"). This variant has not been reported in the literature in individuals affected with SLC6A19-related conditions. This variant is present in population databases (rs142954960, gnomAD 0.004%). This sequence change replaces glycine, which is neutral and non-polar, with aspartic acid, which is acidic and polar, at codon 10 of the SLC6A19 protein (p.Gly10Asp).